The following is an entry in ClinVar:

ClinVar aggregate classification (germline): Uncertain significance. Review status: criteria provided, multiple submitters, no conflicts (2 of 4 stars). 8 submissions from 8 submitters: Uncertain significance (8). Last evaluated 2025-12-20.

Conditions:
Cardiovascular phenotype. Identifiers: MedGen CN230736.
Catecholaminergic polymorphic ventricular tachycardia (CVPT). Also called: Catecholamine-induced polymorphic ventricular tachycardia. Identifiers: Orphanet 3286, MedGen C5574922, MONDO:0017990.
Cardiomyopathy (CMYO). Also called: Cardiomyopathies. Identifiers: Orphanet 167848, MedGen C0878544, MONDO:0004994, HP:0001638. Inheritance: Various modes of inheritance.
Catecholaminergic polymorphic ventricular tachycardia 1. Also called: RYR2-Related Catecholaminergic Polymorphic Ventricular Tachycardia; VENTRICULAR TACHYCARDIA, STRESS-INDUCED POLYMORPHIC 1; VENTRICULAR TACHYCARDIA, CATECHOLAMINERGIC POLYMORPHIC, 1, WITH OR WITHOUT ATRIAL DYSFUNCTION AND/OR DILATED CARDIOMYOPATHY. Identifiers: Orphanet 3286, MedGen C1631597, MONDO:0011484, OMIM 604772.

Allele frequency attached by ClinVar (database versions not stated): ExAC 0.00002; gnomAD 0.00002; gnomAD exomes 0.00002 and 0.00015; TOPMed 0.00002.
gnomAD v4.1: 215 of 1,611,312 alleles (0.013%); highest among the groups gnomAD compares: Non-Finnish European, 0.018%; no homozygotes.

Submissions (8):

Labcorp Genetics (formerly Invitae), Labcorp
Classification: Uncertain significance for Catecholaminergic polymorphic ventricular tachycardia 1. Last evaluated: 2025-12-20. Review status: criteria provided, single submitter. Criteria: Invitae Variant Classification Sherloc (09022015). Collection method: clinical testing. Allele origin: germline.
Comment: This sequence change replaces threonine, which is neutral and polar, with isoleucine, which is neutral and non-polar, at codon 153 of the RYR2 protein (p.Thr153Ile). This variant is present in population databases (rs766802574, gnomAD 0.004%). This missense change has been observed in individual(s) with sudden arrhythmic death syndrome and/or sudden unexplained death in childhood (PMID: 28449774, 37589201). ClinVar contains an entry for this variant (Variation ID: 201192). Invitae Evidence Modeling of protein sequence and biophysical properties (such as structural, functional, and spatial information, amino acid conservation, physicochemical variation, residue mobility, and thermodynamic stability) indicates that this missense variant is not expected to disrupt RYR2 protein function with a negative predictive value of 95%. In summary, the available evidence is currently insufficient to determine the role of this variant in disease. Therefore, it has been classified as a Variant of Uncertain Significance.

Women's Health and Genetics/Laboratory Corporation of America, LabCorp
Classification: Uncertain significance. Last evaluated: 2025-08-04. Review status: criteria provided, single submitter. Criteria: LabCorp Variant Classification Summary - May 2015. Collection method: clinical testing. Allele origin: germline.
Comment: Variant summary: RYR2 c.458C>T (p.Thr153Ile) results in a non-conservative amino acid change located in the MIR domain of the encoded protein sequence. Algorithms developed to predict the effect of missense changes on protein structure and function all suggest that this variant is likely to be disruptive. The variant allele was found at a frequency of 1.6e-05 in 244972 control chromosomes. The available data on variant occurrences in the general population are insufficient to allow any conclusion about variant significance. c.458C>T has been observed in individuals affected with Sudden Arrhythmic Death Syndrome or related disorders (e.g. Laurouchi_2017, Raju_2019). These reports do not provide unequivocal conclusions about association of the variant with Catecholaminergic Polymorphic Ventricular Tachycardia. To our knowledge, no experimental evidence demonstrating an impact on protein function has been reported. The following publications have been ascertained in the context of this evaluation (PMID: 28404607, 28449774, 31337358). ClinVar contains an entry for this variant (Variation ID: 201192). Based on the evidence outlined above, the variant was classified as uncertain significance.

Mayo Clinic Laboratories, Mayo Clinic
Classification: Uncertain significance. Last evaluated: 2025-06-01. Review status: criteria provided, single submitter. Criteria: ACMG Guidelines, 2015. Collection method: clinical testing. Allele origin: germline. Observed: 1 variant allele.
Comment: PS4_supporting

All of Us Research Program, National Institutes of Health
Classification: Uncertain significance for Catecholaminergic polymorphic ventricular tachycardia. Last evaluated: 2024-09-23. Review status: criteria provided, single submitter. Criteria: ACMG Guidelines, 2015. Collection method: clinical testing. Allele origin: germline. Inheritance: Autosomal dominant inheritance. Observed: 13 variant alleles, 13 heterozygotes.
Comment: This missense variant replaces threonine with isoleucine at codon 153 of the RYR2 protein. Computational prediction is inconclusive regarding the impact of this variant on protein structure and function (internally defined REVEL score threshold 0.5 < inconclusive < 0.7, PMID: 27666373). To our knowledge, functional studies have not been reported for this variant. This variant has been reported in a few individuals affected with sudden arrhythmic death syndrome (PMID: 28449774, 31337358). This variant has also been reported in a child affected with sudden death and in the father who was suspected of having catecholaminergic polymorphic ventricular tachycardia (PMID: 37589201). This variant has not been identified in the general population by the Genome Aggregation Database (gnomAD). The available evidence is insufficient to determine the role of this variant in disease conclusively. Therefore, this variant is classified as a Variant of Uncertain Significance.

This study involves interpretation of variants in research participants for the purpose of population health screening. Participant phenotype was not available at the time of variant classification. Additional details can be found in publication PMID: 35346344, PMCID: PMC8962531

Ambry Genetics
Classification: Uncertain significance for Cardiovascular phenotype. Last evaluated: 2024-05-28. Review status: criteria provided, single submitter. Criteria: Ambry Variant Classification Scheme 2023. Collection method: clinical testing. Allele origin: germline.
Comment: The p.T153I variant (also known as c.458C>T), located in coding exon 7 of the RYR2 gene, results from a C to T substitution at nucleotide position 458. The threonine at codon 153 is replaced by isoleucine, an amino acid with similar properties. This variant has been detected in individuals from sudden arrhythmic death syndrome cohorts (Lahrouchi N et al. J Am Coll Cardiol, 2017 May;69:2134-2145; Raju H et al. BMC Cardiovasc Disord, 2019 07;19:174; Kotta MC et al. J Am Heart Assoc, 2023 Sep;12:e029100). This amino acid position is well conserved in available vertebrate species. In addition, the in silico prediction for this alteration is inconclusive. Based on the available evidence, the clinical significance of this variant remains unclear.

Color Diagnostics, LLC DBA Color Health
Classification: Uncertain significance for Cardiomyopathy. Last evaluated: 2024-04-01. Review status: criteria provided, single submitter. Criteria: ACMG Guidelines, 2015. Collection method: clinical testing. Allele origin: germline.
Comment: This missense variant replaces threonine with isoleucine at codon 153 of the RYR2 protein. Computational prediction is inconclusive regarding the impact of this variant on protein structure and function (internally defined REVEL score threshold 0.5 < inconclusive < 0.7, PMID: 27666373). To our knowledge, functional studies have not been reported for this variant. This variant has been reported in a few individuals affected with sudden arrhythmic death syndrome (PMID: 28449774, 31337358). This variant has also been reported in a child affected with sudden death and in the father who was suspected of having catecholaminergic polymorphic ventricular tachycardia (PMID: 37589201). This variant has not been identified in the general population by the Genome Aggregation Database (gnomAD). The available evidence is insufficient to determine the role of this variant in disease conclusively. Therefore, this variant is classified as a Variant of Uncertain Significance.

GeneDx
Classification: Uncertain significance. Last evaluated: 2023-05-15. Review status: criteria provided, single submitter. Criteria: GeneDx Variant Classification Process June 2021. Collection method: clinical testing. Allele origin: germline. Affected: yes.
Comment: Identified in at least two unrelated individuals with sudden arrhythmic death syndrome (SADS) in the published literature (Lahrouchi et al., 2017; Raju et al., 2019) and in individuals referred for cardiac arrhythmia genetic testing at GeneDx; Not observed at significant frequency in large population cohorts (gnomAD); In silico analysis supports that this missense variant does not alter protein structure/function; Located in one of the three hot-spot regions of the RYR2 gene, where the majority of pathogenic missense variants occur (Medeiros-Domingo et al., 2009); This variant is associated with the following publications: (PMID: 28404607, 31337358, 28449774)

Blueprint Genetics
Classification: Uncertain significance. Last evaluated: 2022-07-19. Review status: criteria provided, single submitter. Criteria: ACMG Guidelines, 2015. Collection method: clinical testing. Allele origin: germline.

Literature cited by the submitters: PubMed 28449774 (cited by 6 submitters); PubMed 37589201 (cited by 5 submitters); PubMed 28404607 (cited by 3 submitters); PubMed 31337358 (cited by 5 submitters).

NM_001035.3(RYR2):c.458C>T (p.Thr153Ile)

Gene: RYR2 (ryanodine receptor 2; plus strand). Cytogenetic location: 1q43.
Variant type: single nucleotide variant.
Coding change: c.458C>T on transcript NM_001035.3 (MANE Select); coding-DNA position 458, C replaced by T.
Protein change: p.Thr153Ile; replaces threonine 153 with isoleucine.
Molecular consequence: missense variant.
Genome position (GRCh38, 1-based): chr1:237,374,790, C>T. VCF-style: chr1-237374790-C-T. GRCh37 (hg19) VCF-style: chr1-237538090-C-T.
Other names: p.T153I:ACC>ATC; p.Thr153Ile; c.458C>T, p.Thr153Ile (LRG_402t1); short protein forms T153I.
Identifiers: ClinVar variation 201192 (VCV000201192.28), dbSNP rs766802574, ClinGen allele CA009566.